The following is an entry in ClinVar:

NM_006306.4(SMC1A):c.3592G>A (p.Glu1198Lys)

Gene: SMC1A (structural maintenance of chromosomes 1A; minus strand). Cytogenetic location: Xp11.22.
Variant type: single nucleotide variant.
Coding change: c.3592G>A on transcript NM_006306.4 (MANE Select); coding-DNA position 3592, G replaced by A.
Protein change: p.Glu1198Lys; replaces glutamic acid 1198 with lysine.
Molecular consequence: missense variant.
Genome position (GRCh38, 1-based): chrX:53,380,646, C>T on the plus strand (G>A on the coding strand, the complement: SMC1A is on the minus strand). VCF-style: chrX-53380646-C-T. GRCh37 (hg19) VCF-style: chrX-53407567-C-T.
Other names: c.3526G>A, p.Glu1176Lys (NM_001281463.1); short protein forms E1176K, E1198K.
Identifiers: ClinVar variation 929455 (VCV000929455.13), dbSNP rs782175064, ClinGen allele CA10420258.

ClinVar aggregate classification (germline): Conflicting classifications of pathogenicity. Review status: criteria provided, conflicting classifications (1 of 4 stars). 3 submissions from 3 submitters: Likely pathogenic (1); Uncertain significance (1); Benign (1). Last evaluated 2026-04-23.

Conditions:
Congenital muscular hypertrophy-cerebral syndrome (CDLS2). Also called: SMC1A-Related Cornelia de Lange Syndrome; Cornelia de Lange syndrome 2. Identifiers: Orphanet 199, MedGen C1802395, MONDO:0010370, OMIM 300590.

Allele frequency attached by ClinVar (database versions not stated): gnomAD exomes below 0.00001; ExAC 0.00001.
gnomAD v4.1: 2 of 1,205,342 alleles (0.00017%); highest among the groups gnomAD compares: Non-Finnish European, 0.00022%; no homozygotes.

Submissions (3):

Women's Health and Genetics/Laboratory Corporation of America, LabCorp
Classification: Uncertain significance. Last evaluated: 2026-04-23. Review status: criteria provided, single submitter. Criteria: LabCorp Variant Classification Summary - May 2015. Collection method: clinical testing. Allele origin: germline.
Comment: Variant summary: SMC1A c.3592G>A (p.Glu1198Lys) results in a conservative amino acid change in the encoded protein sequence. Algorithms developed to predict the effect of missense changes on protein structure and function are either unavailable or do not agree on the potential impact of this missense change. The variant allele was found at a frequency of 1.8e-06 in 1091637 control chromosomes. The available data on variant occurrences in the general population are insufficient to allow any conclusion about variant significance. c.3592G>A has been observed in hemizygous individual(s) in association with SMC1A related condtions (Rahman_2021, Bowling_2022). These report(s) do not provide unequivocal conclusions about association of the variant with Congenital Muscular Hypertrophy-Cerebral Syndrome. To our knowledge, no experimental evidence demonstrating an impact on protein function has been reported. The following publications have been ascertained in the context of this evaluation (PMID: 34930662, 34395220). ClinVar contains an entry for this variant (Variation ID: 929455). Based on the evidence outlined above, the variant was classified as uncertain significance.

Labcorp Genetics (formerly Invitae), Labcorp
Classification: Benign for Congenital muscular hypertrophy-cerebral syndrome. Last evaluated: 2025-08-11. Review status: criteria provided, single submitter. Criteria: Invitae Variant Classification Sherloc (09022015). Collection method: clinical testing. Allele origin: germline.

HudsonAlpha Institute for Biotechnology
Classification: Likely pathogenic for Congenital muscular hypertrophy-cerebral syndrome. Last evaluated: 2020-03-17. Review status: criteria provided, single submitter. Criteria: ACMG Guidelines, 2015. Collection method: research. Allele origin: maternal. Affected: yes. Observed: 1 variant allele. Study: CSER-SouthSeq.

Literature cited by the submitters: PubMed 34930662 (cited by Women's Health and Genetics/Laboratory Corporation of America, LabCorp); PubMed 34395220 (cited by Women's Health and Genetics/Laboratory Corporation of America, LabCorp).